The following is an entry in ClinVar:

ClinVar aggregate classification (germline): Benign (1 of 4 stars; one submission).

Allele frequency attached by ClinVar (database versions not stated): TOPMed 0.83589; gnomAD 0.84466 and 0.85547; 1000 Genomes Project 30x 0.84744; 1000 Genomes Project 0.85443; gnomAD exomes 0.97813.
gnomAD v4.1: 411,741 of 440,360 alleles (94%); highest among the groups gnomAD compares: East Asian, 100%; 197,647 homozygotes.

Submission:

GeneDx
Classification: Benign. Last evaluated: 2018-06-18. Review status: criteria provided, single submitter. Criteria: GeneDx Variant Classification (06012015). Collection method: clinical testing. Allele origin: germline. Affected: yes.
Comment: This variant is considered likely benign or benign based on one or more of the following criteria: it is a conservative change, it occurs at a poorly conserved position in the protein, it is predicted to be benign by multiple in silico algorithms, and/or has population frequency not consistent with disease.

NM_005097.4(LGI1):c.432-261C>A

Gene: LGI1 (leucine rich glioma inactivated 1; plus strand). Cytogenetic location: 10q23.33.
Variant type: single nucleotide variant.
Coding change: c.432-261C>A on transcript NM_005097.4 (MANE Select); 261 bases into the intron before coding-DNA position 432, C replaced by A.
Molecular consequence: intron variant.
Genome position (GRCh38, 1-based): chr10:93,789,838, C>A. VCF-style: chr10-93789838-C-A. GRCh37 (hg19) VCF-style: chr10-95549595-C-A.
Other names: c.432-261C>A (NM_001308275.2); c.288-261C>A (NM_001308276.2).
Identifiers: ClinVar variation 684055 (VCV000684055.1), dbSNP rs4244342, ClinGen allele CA13324669.